The following is an entry in ClinVar:

NM_001375524.1(TRRAP):c.1147G>A (p.Val383Met)

Gene: TRRAP (transformation/transcription domain associated protein; plus strand). Cytogenetic location: 7q22.1.
Variant type: single nucleotide variant.
Coding change: c.1147G>A on transcript NM_001375524.1 (MANE Select); coding-DNA position 1147, G replaced by A.
Protein change: p.Val383Met; replaces valine 383 with methionine.
Molecular consequence: missense variant.
Genome position (GRCh38, 1-based): chr7:98,908,759, G>A. VCF-style: chr7-98908759-G-A. GRCh37 (hg19) VCF-style: chr7-98506382-G-A.
Other names: c.1147G>A, p.Val383Met (NM_001244580.2, NM_003496.4); short protein forms V383M.
Identifiers: ClinVar variation 3376168 (VCV003376168.1).
Genomic context (GRCh38, chr7:98,908,759, plus strand): 5'-TGAGCACTAGTCGAGGTCTCTGCCCGCAGGCCCCTCGCCTACAGCACGCTGGCCGACCTC[G>A]TGCACCATGTCCGCCAGCACCTGCCCCTCAGCGACCTCTCCCTCGCCGTCCAGCTCTTCG-3'
Protein context (NP_001362453.1, residues 373-393): PLAYSTLADL[Val383Met]HHVRQHLPLS

ClinVar aggregate classification (germline): Uncertain significance (1 of 4 stars; one submission).

Conditions:
Developmental delay with or without dysmorphic facies and autism. Identifiers: MedGen C5193106, MONDO:0032760, OMIM 618454.

Submission:

Pittsburgh Clinical Genomics Laboratory, University of Pittsburgh Medical Center
Classification: Uncertain significance for Developmental delay with or without dysmorphic facies and autism. Last evaluated: 2023-03-28. Review status: criteria provided, single submitter. Criteria: ACMG Guidelines, 2015. Collection method: clinical testing. Allele origin: germline. Inheritance: Autosomal dominant inheritance. Affected: yes.
Comment: This sequence variant is a single nucleotide substitution (G>A) at coding position 1147 of the TRRAP gene that results in a valine to methionine amino acid change at residue 383 of the TRRAP protein. This variant has not been previously reported in databases of clinically assessed variants or observed in the literature in individuals with TRRAP-related illness, to our knowledge. This variant is absent from the gnomAD population database (0 of ~250,000 alleles). Multiple bioinformatic tools predict that this variant would be damaging, and the Val383 residue is highly conserved across the vertebrate species examined. Functiol studies testing the effect of this variant have not been performed, to our knowledge. At this time, there is insufficient evidence to determine if this variant is pathogenic or benign. Therefore, we consider this to be a variant of uncertain significance. ACMG Criteria: PM2, PP3